The following is an entry in ClinVar:

ClinVar aggregate classification (germline): Uncertain significance (1 of 4 stars; one submission).

Conditions:
Nephronophthisis. Also called: Juvenile Nephronophthisis. Identifiers: Orphanet 655, MedGen C0687120, MONDO:0019005, HP:0000090.

Allele frequency attached by ClinVar (database versions not stated): gnomAD exomes below 0.00001.
gnomAD v4.1: 1 of 1,438,390 alleles (0.00007%); highest among the groups gnomAD compares: Non-Finnish European, 0.000097%; no homozygotes.

Submission:

Labcorp Genetics (formerly Invitae), Labcorp
Classification: Uncertain significance for Nephronophthisis. Last evaluated: 2022-07-26. Review status: criteria provided, single submitter. Criteria: Invitae Variant Classification Sherloc (09022015). Collection method: clinical testing. Allele origin: germline.
Comment: This sequence change falls in intron 7 of the IQCB1 gene. It does not directly change the encoded amino acid sequence of the IQCB1 protein. This variant is not present in population databases (gnomAD no frequency). This variant has not been reported in the literature in individuals affected with IQCB1-related conditions. Algorithms developed to predict the effect of sequence changes on RNA splicing suggest that this variant may disrupt the consensus splice site. In summary, the available evidence is currently insufficient to determine the role of this variant in disease. Therefore, it has been classified as a Variant of Uncertain Significance.

NM_001023570.4(IQCB1):c.588-18T>A

Gene: IQCB1 (IQ motif containing B1; minus strand). Cytogenetic location: 3q13.33.
Variant type: single nucleotide variant.
Coding change: c.588-18T>A on transcript NM_001023570.4 (MANE Select); 18 bases into the intron before coding-DNA position 588, T replaced by A.
Molecular consequence: intron variant.
Genome position (GRCh38, 1-based): chr3:121,799,392, A>T on the plus strand (T>A on the coding strand, the complement: IQCB1 is on the minus strand). VCF-style: chr3-121799392-A-T. GRCh37 (hg19) VCF-style: chr3-121518239-A-T.
Other names: c.588-18T>A (NM_001319107.2); c.587+7952T>A (NM_001023571.4).
Identifiers: ClinVar variation 2086336 (VCV002086336.4), dbSNP rs2472433218, ClinGen allele CA2577897152.